The following is an entry in ClinVar:

NM_001035.3(RYR2):c.6338T>C (p.Val2113Ala)

Gene: RYR2 (ryanodine receptor 2; plus strand). Cytogenetic location: 1q43.
Variant type: single nucleotide variant.
Coding change: c.6338T>C on transcript NM_001035.3 (MANE Select); coding-DNA position 6338, T replaced by C.
Protein change: p.Val2113Ala; replaces valine 2113 with alanine.
Molecular consequence: missense variant.
Genome position (GRCh38, 1-based): chr1:237,627,978, T>C. VCF-style: chr1-237627978-T-C. GRCh37 (hg19) VCF-style: chr1-237791278-T-C.
Other names: short protein forms V2113A.
Identifiers: ClinVar variation 3633803 (VCV003633803.2).

ClinVar aggregate classification (germline): Uncertain significance (1 of 4 stars; one submission).

Conditions:
Catecholaminergic polymorphic ventricular tachycardia 1. Also called: VENTRICULAR TACHYCARDIA, CATECHOLAMINERGIC POLYMORPHIC, 1, WITH OR WITHOUT ATRIAL DYSFUNCTION AND/OR DILATED CARDIOMYOPATHY; RYR2-Related Catecholaminergic Polymorphic Ventricular Tachycardia; VENTRICULAR TACHYCARDIA, STRESS-INDUCED POLYMORPHIC 1. Identifiers: Orphanet 3286, MedGen C1631597, MONDO:0011484, OMIM 604772.

Submission:

Labcorp Genetics (formerly Invitae), Labcorp
Classification: Uncertain significance for Catecholaminergic polymorphic ventricular tachycardia 1. Last evaluated: 2024-06-25. Review status: criteria provided, single submitter. Criteria: Invitae Variant Classification Sherloc (09022015). Collection method: clinical testing. Allele origin: germline.
Comment: This sequence change replaces valine, which is neutral and non-polar, with alanine, which is neutral and non-polar, at codon 2113 of the RYR2 protein (p.Val2113Ala). This variant is not present in population databases (gnomAD no frequency). This variant has not been reported in the literature in individuals affected with RYR2-related conditions. Advanced modeling of protein sequence and biophysical properties (such as structural, functional, and spatial information, amino acid conservation, physicochemical variation, residue mobility, and thermodynamic stability) has been performed at Invitae for this missense variant, however the output from this modeling did not meet the statistical confidence thresholds required to predict the impact of this variant on RYR2 protein function. In summary, the available evidence is currently insufficient to determine the role of this variant in disease. Therefore, it has been classified as a Variant of Uncertain Significance.